The following is an entry in ClinVar:

ClinVar aggregate classification (germline): Uncertain significance (1 of 4 stars; one submission).

Allele frequency attached by ClinVar (database versions not stated): ExAC 0.00002; gnomAD 0.00003; gnomAD exomes 0.00008; TOPMed 0.00012.
gnomAD v4.1: 124 of 1,614,034 alleles (0.0077%); highest among the groups gnomAD compares: Admixed American, 0.01%; 1 homozygote.

Submission:

Labcorp Genetics (formerly Invitae), Labcorp
Classification: Uncertain significance. Last evaluated: 2025-12-22. Review status: criteria provided, single submitter. Criteria: Invitae Variant Classification Sherloc (09022015). Collection method: clinical testing. Allele origin: germline.
Comment: This sequence change replaces threonine, which is neutral and polar, with alanine, which is neutral and non-polar, at codon 876 of the ATRN protein (p.Thr876Ala). This variant is present in population databases (rs765551452, gnomAD 0.01%). This variant has not been reported in the literature in individuals affected with ATRN-related conditions. ClinVar contains an entry for this variant (Variation ID: 1986669). An algorithm developed to predict the effect of missense changes on protein structure and function (PolyPhen-2) suggests that this variant is likely to be tolerated. In summary, the available evidence is currently insufficient to determine the role of this variant in disease. Therefore, it has been classified as a Variant of Uncertain Significance.

NM_139321.3(ATRN):c.2626A>G (p.Thr876Ala)

Gene: ATRN (attractin; plus strand). Cytogenetic location: 20p13.
Variant type: single nucleotide variant.
Coding change: c.2626A>G on transcript NM_139321.3 (MANE Select); coding-DNA position 2626, A replaced by G.
Protein change: p.Thr876Ala; replaces threonine 876 with alanine.
Molecular consequence: missense variant.
Genome position (GRCh38, 1-based): chr20:3,582,216, A>G. VCF-style: chr20-3582216-A-G. GRCh37 (hg19) VCF-style: chr20-3562863-A-G.
Other names: c.2278A>G, p.Thr760Ala (NM_001207047.3); c.2626A>G, p.Thr876Ala (NM_001323332.2, NM_139322.4); short protein forms T876A, T760A.
Identifiers: ClinVar variation 1986669 (VCV001986669.4), dbSNP rs765551452, ClinGen allele CA9744318.
Genomic context (GRCh38, chr20:3,582,216, plus strand): 5'-TGGGTCGGCCTTCGGAAGATCAATGTGTCCTACTGGTGCTGGGAAGATATGTCCCCATTT[A>G]CAAATAGTTTACTACAGTGGATGCCGTCTGAGCCCAGTGATGCTGGATTCTGTGGAATTT-3'
Protein context (NP_647537.1, residues 866-886): YWCWEDMSPF[Thr876Ala]NSLLQWMPSE